The following is an entry in ClinVar:

NM_000094.4(COL7A1):c.7045G>A (p.Glu2349Lys)

Gene: COL7A1 (collagen type VII alpha 1 chain; minus strand). Cytogenetic location: 3p21.31.
Variant type: single nucleotide variant.
Coding change: c.7045G>A on transcript NM_000094.4 (MANE Select); coding-DNA position 7045, G replaced by A.
Protein change: p.Glu2349Lys; replaces glutamic acid 2349 with lysine.
Molecular consequence: missense variant.
Genome position (GRCh38, 1-based): chr3:48,572,024, C>T on the plus strand (G>A on the coding strand, the complement: COL7A1 is on the minus strand). VCF-style: chr3-48572024-C-T. GRCh37 (hg19) VCF-style: chr3-48609457-C-T.
Other names: short protein forms E2349K.
Identifiers: ClinVar variation 1962689 (VCV001962689.3), dbSNP rs2530892290, ClinGen allele CA352652187.
Genomic context (GRCh38, chr3:48,572,024, plus strand): 5'-CAGGCCAGGCTCGCCCTTGCCTAGGCCCCGGACTCACATCTTCCCCAGGGTCTCCGGGCT[C>T]CCCTGCACGGCCAGCTTCACCCTGCACAGAATGGCAGGTGAGGGGTGTCTGGACTGAGCC-3'
Protein context (NP_000085.1, residues 2339-2359): GEKGEAGRAG[Glu2349Lys]PGDPGEDGQK

ClinVar aggregate classification (germline): Uncertain significance. Review status: criteria provided, multiple submitters, no conflicts (2 of 4 stars). 2 submissions from 2 submitters: Uncertain significance (2). Last evaluated 2025-07-02.

Conditions:
Inborn genetic diseases. Identifiers: MedGen C0950123, MeSH D030342.

Submissions (2):

Ambry Genetics
Classification: Uncertain significance for Inborn genetic diseases. Last evaluated: 2025-07-02. Review status: criteria provided, single submitter. Criteria: Ambry Variant Classification Scheme 2023. Collection method: clinical testing. Allele origin: germline.

Labcorp Genetics (formerly Invitae), Labcorp
Classification: Uncertain significance. Last evaluated: 2021-07-31. Review status: criteria provided, single submitter. Criteria: Invitae Variant Classification Sherloc (09022015). Collection method: clinical testing. Allele origin: germline.
Comment: This sequence change replaces glutamic acid with lysine at codon 2349 of the COL7A1 protein (p.Glu2349Lys). The glutamic acid residue is moderately conserved and there is a small physicochemical difference between glutamic acid and lysine. This variant is not present in population databases (ExAC no frequency). This variant has not been reported in the literature in individuals affected with COL7A1-related conditions. Algorithms developed to predict the effect of missense changes on protein structure and function are either unavailable or do not agree on the potential impact of this missense change (SIFT: "Tolerated"; PolyPhen-2: "Probably Damaging"; Align-GVGD: "Class C0"). In summary, the available evidence is currently insufficient to determine the role of this variant in disease. Therefore, it has been classified as a Variant of Uncertain Significance.